The following is an entry in ClinVar:

ClinVar aggregate classification (germline): Uncertain significance (1 of 4 stars; one submission).

Conditions:
Hereditary cancer-predisposing syndrome. Also called: Neoplastic Syndromes, Hereditary; Tumor predisposition; Hereditary neoplastic syndrome; Hereditary Cancer Syndrome. Identifiers: Orphanet 140162, MedGen C0027672, MeSH D009386, MONDO:0015356.

Submission:

Color Diagnostics, LLC DBA Color Health
Classification: Uncertain significance for Hereditary cancer-predisposing syndrome. Last evaluated: 2024-03-06. Review status: criteria provided, single submitter. Criteria: ACMG Guidelines, 2015. Collection method: clinical testing. Allele origin: germline.
Comment: This missense variant replaces glutamine with arginine at codon 40 of the BAP1 protein. Computational prediction suggests that this variant may not impact protein structure and function (internally defined REVEL score threshold <= 0.5, PMID: 27666373). To our knowledge, functional studies have not been reported for this variant. This variant has not been reported in individuals affected with BAP1-related disorders in the literature. This variant has not been identified in the general population by the Genome Aggregation Database (gnomAD). The available evidence is insufficient to determine the role of this variant in disease conclusively. Therefore, this variant is classified as a Variant of Uncertain Significance.

NM_004656.4(BAP1):c.119A>G (p.Gln40Arg)

Gene: BAP1 (BRCA1 associated deubiquitinase 1; minus strand). Cytogenetic location: 3p21.1.
Variant type: single nucleotide variant.
Coding change: c.119A>G on transcript NM_004656.4 (MANE Select); coding-DNA position 119, A replaced by G.
Protein change: p.Gln40Arg; replaces glutamine 40 with arginine.
Molecular consequence: missense variant.
Genome position (GRCh38, 1-based): chr3:52,409,557, T>C on the plus strand (A>G on the coding strand, the complement: BAP1 is on the minus strand). VCF-style: chr3-52409557-T-C. GRCh37 (hg19) VCF-style: chr3-52443573-T-C.
Other names: short protein forms Q40R.
Identifiers: ClinVar variation 628137 (VCV000628137.6), dbSNP rs1559592807, ClinGen allele CA353114483.